The following is an entry in ClinVar:

ClinVar aggregate classification (germline): Conflicting classifications of pathogenicity. Review status: criteria provided, conflicting classifications (1 of 4 stars). 5 submissions from 5 submitters: Uncertain significance (2); Likely benign (3). Last evaluated 2025-11-18.

Conditions:
PDE6A-related disorder. Also called: PDE6A-related condition.
Retinitis pigmentosa (RP). Identifiers: Orphanet 791, MedGen C0035334, MeSH D012174, MONDO:0019200, OMIM 268000. Inheritance: Autosomal dominant, autosomal recessive and X linked inheritance.

Allele frequency attached by ClinVar (database versions not stated): ExAC 0.00010; gnomAD exomes 0.00010 and 0.00011; gnomAD 0.00011 and 0.00013; TOPMed 0.00012.
gnomAD v4.1: 188 of 1,614,148 alleles (0.012%); highest among the groups gnomAD compares: Non-Finnish European, 0.014%; no homozygotes.

Submissions (5):

Labcorp Genetics (formerly Invitae), Labcorp
Classification: Likely benign. Last evaluated: 2025-11-18. Review status: criteria provided, single submitter. Criteria: Invitae Variant Classification Sherloc (09022015). Collection method: clinical testing. Allele origin: germline.

PreventionGenetics, part of Exact Sciences
Classification: Likely benign for PDE6A-related condition. Last evaluated: 2025-02-24. Review status: criteria provided, single submitter. Criteria: ACMG Guidelines, 2015. Collection method: clinical testing. Allele origin: germline.
Comment: This variant is classified as likely benign based on ACMG/AMP sequence variant interpretation guidelines (Richards et al. 2015 PMID: 25741868, with internal and published modifications).

Blueprint Genetics
Classification: Likely benign. Last evaluated: 2024-05-27. Review status: criteria provided, single submitter. Criteria: ACMG Guidelines, 2015. Collection method: clinical testing. Allele origin: germline.

Illumina Laboratory Services, Illumina
Classification: Uncertain significance for Retinitis pigmentosa. Last evaluated: 2018-01-13. Review status: criteria provided, single submitter. Criteria: ICSL Variant Classification Criteria 13 December 2019. Collection method: clinical testing. Allele origin: germline.

Eurofins Ntd Llc (ga)
Classification: Uncertain significance. Last evaluated: 2016-08-15. Review status: criteria provided, single submitter. Criteria: EGL Classification Definitions 2015. Collection method: clinical testing. Allele origin: germline. Observed: 2 variant alleles, 2 heterozygotes.

NM_000440.3(PDE6A):c.594G>A (p.Val198=)

Gene: PDE6A (phosphodiesterase 6A; minus strand). Cytogenetic location: 5q32.
Variant type: single nucleotide variant.
Coding change: c.594G>A on transcript NM_000440.3 (MANE Select); coding-DNA position 594, G replaced by A.
Protein change: p.Val198=; no amino-acid change (valine 198 retained).
Molecular consequence: synonymous variant.
Genome position (GRCh38, 1-based): chr5:149,934,599, C>T on the plus strand (G>A on the coding strand, the complement: PDE6A is on the minus strand). VCF-style: chr5-149934599-C-T. GRCh37 (hg19) VCF-style: chr5-149314162-C-T.
Identifiers: ClinVar variation 93011 (VCV000093011.22), dbSNP rs398123394, ClinGen allele CA220833.